The following is an entry in ClinVar:

NM_025179.4(PLXNA2):c.3706C>G (p.Leu1236Val)

Gene: PLXNA2 (plexin A2; minus strand). Cytogenetic location: 1q32.2.
Variant type: single nucleotide variant.
Coding change: c.3706C>G on transcript NM_025179.4 (MANE Select); coding-DNA position 3706, C replaced by G.
Protein change: p.Leu1236Val; replaces leucine 1236 with valine.
Molecular consequence: missense variant.
Genome position (GRCh38, 1-based): chr1:208,044,676, G>C on the plus strand (C>G on the coding strand, the complement: PLXNA2 is on the minus strand). VCF-style: chr1-208044676-G-C. GRCh37 (hg19) VCF-style: chr1-208218021-G-C.
Other names: c.3706C>G (NM_025179.3); short protein forms L1236V.
Identifiers: ClinVar variation 1436321 (VCV001436321.8), dbSNP rs150042454, ClinGen allele CA1373091.

ClinVar aggregate classification (germline): Uncertain significance. Review status: criteria provided, single submitter (1 of 4 stars). 2 submissions from 2 submitters: Uncertain significance (1). 1 of the submissions does not count toward it. Last evaluated 2025-10-07.

Conditions:
PLXNA2-related disorder. Also called: PLXNA2-related condition.

Allele frequency attached by ClinVar (database versions not stated): gnomAD exomes 0.00002 and below 0.00001; ExAC 0.00003; gnomAD 0.00006; TOPMed 0.00008; ESP Exome Variant Server 0.00015; 1000 Genomes Project 0.00020; 1000 Genomes Project 30x 0.00031.
gnomAD v4.1: 14 of 1,614,138 alleles (0.00087%); highest among the groups gnomAD compares: African/African-American, 0.017%; no homozygotes.

Submissions (2):

Labcorp Genetics (formerly Invitae), Labcorp
Classification: Uncertain significance. Last evaluated: 2025-10-07. Review status: criteria provided, single submitter. Criteria: Invitae Variant Classification Sherloc (09022015). Collection method: clinical testing. Allele origin: germline.
Comment: This sequence change replaces leucine, which is neutral and non-polar, with valine, which is neutral and non-polar, at codon 1236 of the PLXNA2 protein (p.Leu1236Val). This variant is present in population databases (rs150042454, gnomAD 0.03%). This variant has not been reported in the literature in individuals affected with PLXNA2-related conditions. ClinVar contains an entry for this variant (Variation ID: 1436321). Invitae Evidence Modeling of protein sequence and biophysical properties (such as structural, functional, and spatial information, amino acid conservation, physicochemical variation, residue mobility, and thermodynamic stability) indicates that this missense variant is not expected to disrupt PLXNA2 protein function with a negative predictive value of 80%. In summary, the available evidence is currently insufficient to determine the role of this variant in disease. Therefore, it has been classified as a Variant of Uncertain Significance.

PreventionGenetics, part of Exact Sciences
Classification: Uncertain significance for PLXNA2-related condition. Last evaluated: 2024-01-12. Review status: no assertion criteria provided. Collection method: clinical testing. Allele origin: germline. Not counted in ClinVar's aggregate classification.
Comment: The PLXNA2 c.3706C>G variant is predicted to result in the amino acid substitution p.Leu1236Val. To our knowledge, this variant has not been reported in the literature. This variant is reported in 0.032% of alleles in individuals of African descent in gnomAD. At this time, the clinical significance of this variant is uncertain due to the absence of conclusive functional and genetic evidence.